The following is an entry in ClinVar:

NM_001369.3(DNAH5):c.2054T>C (p.Ile685Thr)

Genes: DNAH5 (dynein axonemal heavy chain 5; minus strand), DNAH5-AS1 (DNAH5 antisense RNA 1; plus strand). Cytogenetic location: 5p15.2.
Variant type: single nucleotide variant.
Coding change: c.2054T>C on transcript NM_001369.3 (MANE Select); coding-DNA position 2054, T replaced by C.
Protein change: p.Ile685Thr; replaces isoleucine 685 with threonine.
Molecular consequence: missense variant.
Genome position (GRCh38, 1-based): chr5:13,900,411, A>G on the plus strand (T>C on the coding strand, the complement: DNAH5 is on the minus strand). VCF-style: chr5-13900411-A-G. GRCh37 (hg19) VCF-style: chr5-13900520-A-G.
Other names: short protein forms I685T.
Identifiers: ClinVar variation 1930611 (VCV001930611.3), dbSNP rs1413135619, ClinGen allele CA359203946.
Genomic context (GRCh38, chr5:13,900,411, plus strand): 5'-TCCCCTGTGCCTGGAGCCTTCACCAATAATGAAGCCTCAAGACCTACATGAATTTCTTCA[A>G]TCTGTGGGAAGAAACCAACATCATTACTATCAGAAAGTTCAATTCATGCAGAGTATCTAG-3'
Protein context (NP_001360.1, residues 675-695): VLFHRAWLRQ[Ile685Thr]EEIHVGLEAS

ClinVar aggregate classification (germline): Uncertain significance (1 of 4 stars; one submission).

Conditions:
Primary ciliary dyskinesia. Also called: Ciliary dyskinesia. Identifiers: Orphanet 244, MedGen C0008780, MONDO:0016575, HP:0012265.

Allele frequency attached by ClinVar (database versions not stated): gnomAD exomes 0.00001; gnomAD 0.00003; TOPMed 0.00003.
gnomAD v4.1: 19 of 1,613,294 alleles (0.0012%); highest among the groups gnomAD compares: African/African-American, 0.004%; no homozygotes.

Submission:

Labcorp Genetics (formerly Invitae), Labcorp
Classification: Uncertain significance for Primary ciliary dyskinesia. Last evaluated: 2024-09-12. Review status: criteria provided, single submitter. Criteria: Invitae Variant Classification Sherloc (09022015). Collection method: clinical testing. Allele origin: germline.
Comment: This sequence change replaces isoleucine, which is neutral and non-polar, with threonine, which is neutral and polar, at codon 685 of the DNAH5 protein (p.Ile685Thr). This variant is present in population databases (no rsID available, gnomAD 0.007%). This variant has not been reported in the literature in individuals affected with DNAH5-related conditions. ClinVar contains an entry for this variant (Variation ID: 1930611). An algorithm developed to predict the effect of missense changes on protein structure and function outputs the following: PolyPhen-2: "Benign". The threonine amino acid residue is found in multiple mammalian species, which suggests that this missense change does not adversely affect protein function. In summary, the available evidence is currently insufficient to determine the role of this variant in disease. Therefore, it has been classified as a Variant of Uncertain Significance.